The following is an entry in ClinVar:

ClinVar aggregate classification (germline): Uncertain significance (1 of 4 stars; one submission).

gnomAD v4.1: 14 of 1,207,510 alleles (0.0012%); highest among the groups gnomAD compares: African/African-American, 0.0018%; no homozygotes.

Submission:

Labcorp Genetics (formerly Invitae), Labcorp
Classification: Uncertain significance. Last evaluated: 2025-06-17. Review status: criteria provided, single submitter. Criteria: Invitae Variant Classification Sherloc (09022015). Collection method: clinical testing. Allele origin: germline.
Comment: This sequence change replaces threonine, which is neutral and polar, with methionine, which is neutral and non-polar, at codon 1932 of the CACNA1F protein (p.Thr1932Met). This variant is present in population databases (rs782460359, gnomAD 0.006%). This variant has not been reported in the literature in individuals affected with CACNA1F-related conditions. An algorithm developed to predict the effect of missense changes on protein structure and function (PolyPhen-2) suggests that this variant is likely to be tolerated. In summary, the available evidence is currently insufficient to determine the role of this variant in disease. Therefore, it has been classified as a Variant of Uncertain Significance.

NM_001256789.3(CACNA1F):c.5762C>T (p.Thr1921Met)

Gene: CACNA1F (calcium voltage-gated channel subunit alpha1 F; minus strand). Cytogenetic location: Xp11.23.
Variant type: single nucleotide variant.
Coding change: c.5762C>T on transcript NM_001256789.3 (MANE Select); coding-DNA position 5762, C replaced by T.
Protein change: p.Thr1921Met; replaces threonine 1921 with methionine.
Molecular consequence: missense variant.
Genome position (GRCh38, 1-based): chrX:49,205,276, G>A on the plus strand (C>T on the coding strand, the complement: CACNA1F is on the minus strand). VCF-style: chrX-49205276-G-A. GRCh37 (hg19) VCF-style: chrX-49061736-G-A.
Other names: c.5600C>T, p.Thr1867Met (NM_001256790.3); c.5795C>T, p.Thr1932Met (NM_005183.4); short protein forms T1932M, T1867M, T1921M.
Identifiers: ClinVar variation 4696216 (VCV004696216.1).